The following is an entry in ClinVar:

ClinVar aggregate classification (germline): Uncertain significance. Review status: criteria provided, multiple submitters, no conflicts (2 of 4 stars). 2 submissions from 2 submitters: Uncertain significance (2). Last evaluated 2025-07-29.

Conditions:
Cardiovascular phenotype. Identifiers: MedGen CN230736.
X-linked myopathy with postural muscle atrophy. Also called: FHL1-Related Emery-Dreifuss Muscular Dystrophy, X-Linked. Identifiers: Orphanet 178461, MedGen C2678055, MONDO:0010401, OMIM 300696.

Allele frequency attached by ClinVar (database versions not stated): gnomAD exomes below 0.00001; gnomAD 0.00001.

Submissions (2):

Labcorp Genetics (formerly Invitae), Labcorp
Classification: Uncertain significance for X-linked myopathy with postural muscle atrophy. Last evaluated: 2025-07-29. Review status: criteria provided, single submitter. Criteria: Invitae Variant Classification Sherloc (09022015). Collection method: clinical testing. Allele origin: germline.
Comment: This sequence change replaces valine, which is neutral and non-polar, with isoleucine, which is neutral and non-polar, at codon 189 of the FHL1 protein (p.Val189Ile). This variant is not present in population databases (gnomAD no frequency). This variant has not been reported in the literature in individuals affected with FHL1-related conditions. ClinVar contains an entry for this variant (Variation ID: 3221691). An algorithm developed to predict the effect of missense changes on protein structure and function (PolyPhen-2) suggests that this variant is likely to be tolerated. In summary, the available evidence is currently insufficient to determine the role of this variant in disease. Therefore, it has been classified as a Variant of Uncertain Significance.

Ambry Genetics
Classification: Uncertain significance for Cardiovascular phenotype. Last evaluated: 2024-02-25. Review status: criteria provided, single submitter. Criteria: Ambry Variant Classification Scheme 2023. Collection method: clinical testing. Allele origin: germline.
Comment: The p.V189I variant (also known as c.565G>A), located in coding exon 4 of the FHL1 gene, results from a G to A substitution at nucleotide position 565. The valine at codon 189 is replaced by isoleucine, an amino acid with highly similar properties. This amino acid position is conserved. In addition, this alteration is predicted to be tolerated by in silico analysis. Based on the available evidence, the clinical significance of this alteration remains unclear.

NM_001159699.2(FHL1):c.613G>A (p.Val205Ile)

Gene: FHL1 (four and a half LIM domains 1; plus strand). Cytogenetic location: Xq26.3.
Variant type: single nucleotide variant.
Coding change: c.613G>A on transcript NM_001159699.2 (MANE Select); coding-DNA position 613, G replaced by A.
Protein change: p.Val205Ile; replaces valine 205 with isoleucine.
Molecular consequence: missense variant. On other transcripts: non-coding transcript variant (1), intron variant (2).
Genome position (GRCh38, 1-based): chrX:136,208,518, G>A. VCF-style: chrX-136208518-G-A. GRCh37 (hg19) VCF-style: chrX-135290677-G-A.
Other names: c.565G>A, p.Val189Ile (NM_001159700.2, NM_001159702.3, NM_001159704.1 and 8 more transcripts); c.652G>A, p.Val218Ile (NM_001159701.2); c.501+557G>A (NM_001159703.2); c.549+557G>A (NM_001330659.2); short protein forms V189I, V205I, V218I.
Identifiers: ClinVar variation 3221691 (VCV003221691.3), dbSNP rs2073912385, ClinGen allele CA414608835.